The following is an entry in ClinVar:

NM_003482.4(KMT2D):c.11679del (p.Met3894fs)

Gene: KMT2D (lysine methyltransferase 2D; minus strand). Cytogenetic location: 12q13.12.
Variant type: Deletion.
Coding change: c.11679del on transcript NM_003482.4 (MANE Select); coding-DNA position 11679, one base deleted (C; older notation c.11679delC).
Protein change: p.Met3894fs; shifts the reading frame from methionine 3894.
Molecular consequence: frameshift variant.
Genome position (GRCh38, 1-based): chr12:49,033,026, G deleted on the plus strand (C on the coding strand, the reverse complement: KMT2D is on the minus strand); the first of 3 consecutive G bases (chr12:49,033,026-49,033,028); deleting any one gives the same sequence. VCF-style (leftmost placement, unchanged base first): chr12-49033025-TG-T. GRCh37 (hg19) VCF-style: chr12-49426808-TG-T.
Other names: short protein forms M3894fs.
Identifiers: ClinVar variation 981754 (VCV000981754.3), dbSNP rs1943027165, ClinGen allele CA1139662674.

ClinVar aggregate classification (germline): Pathogenic. Review status: criteria provided, single submitter (1 of 4 stars). 2 submissions from 2 submitters: Pathogenic (1). 1 of the submissions does not count toward it. Last evaluated 2024-10-04.

Conditions:
Kabuki syndrome 1 (KABUK1). Also called: KMT2D-Related Kabuki Syndrome. Identifiers: Orphanet 2322, MedGen CN030661, MONDO:0007843, OMIM 147920.
Branchial cleft anomaly. Also called: BRANCHIAL CLEFT ANOMALIES; Branchial Cleft Remnant. Identifiers: MedGen C0079037, OMIM 113600.

Submissions (2):

Dubai Health Genomic Medicine Center, Dubai Health
Classification: Pathogenic for BRANCHIAL CLEFT ANOMALIES. Last evaluated: 2024-10-04. Review status: criteria provided, single submitter. Criteria: ACMG Guidelines, 2015. Collection method: research. Allele origin: germline. Affected: yes.
Comment: PVS1,PS2,PM2

Autoinflammatory diseases unit, CHU de Montpellier
Classification: Pathogenic for Kabuki syndrome 1. Last evaluated: 2014-02-28. Review status: no assertion criteria provided. Collection method: clinical testing. Allele origin: unknown. Affected: yes. Not counted in ClinVar's aggregate classification.